The following is an entry in ClinVar:

ClinVar aggregate classification (germline): Uncertain significance (1 of 4 stars; one submission).

Conditions:
Long QT syndrome 10 (LQT10). Identifiers: Orphanet 101016, Orphanet 768, MedGen C2678484, MONDO:0012737, OMIM 611819.

gnomAD v4.1: 1 of 1,613,794 alleles (0.000062%); highest among the groups gnomAD compares: Non-Finnish European, 0.000085%; no homozygotes.

Submission:

Labcorp Genetics (formerly Invitae), Labcorp
Classification: Uncertain significance for Long QT syndrome 10. Last evaluated: 2025-05-19. Review status: criteria provided, single submitter. Criteria: Invitae Variant Classification Sherloc (09022015). Collection method: clinical testing. Allele origin: germline.
Comment: This sequence change replaces glutamic acid, which is acidic and polar, with glycine, which is neutral and non-polar, at codon 221 of the SCN4B protein (p.Glu221Gly). This variant is not present in population databases (gnomAD no frequency). This variant has not been reported in the literature in individuals affected with SCN4B-related conditions. An algorithm developed to predict the effect of missense changes on protein structure and function (PolyPhen-2) suggests that this variant is likely to be tolerated. In summary, the available evidence is currently insufficient to determine the role of this variant in disease. Therefore, it has been classified as a Variant of Uncertain Significance.

NM_174934.4(SCN4B):c.662A>G (p.Glu221Gly)

Gene: SCN4B (sodium voltage-gated channel beta subunit 4; minus strand). Cytogenetic location: 11q23.3.
Variant type: single nucleotide variant.
Coding change: c.662A>G on transcript NM_174934.4 (MANE Select); coding-DNA position 662, A replaced by G.
Protein change: p.Glu221Gly; replaces glutamic acid 221 with glycine.
Molecular consequence: missense variant. On other transcripts: non-coding transcript variant (1).
Genome position (GRCh38, 1-based): chr11:118,137,052, T>C on the plus strand (A>G on the coding strand, the complement: SCN4B is on the minus strand). VCF-style: chr11-118137052-T-C. GRCh37 (hg19) VCF-style: chr11-118007767-T-C.
Other names: c.260A>G, p.Glu87Gly (NM_001142348.2); c.332A>G, p.Glu111Gly (NM_001142349.2); short protein forms E111G, E221G, E87G.
Identifiers: ClinVar variation 4698567 (VCV004698567.1).
Genomic context (GRCh38, chr11:118,137,052, plus strand): 5'-GGGGCTCCCTGCAGCTGCTCAGCCCGAAGCAGGGCTCACACTTTTGAAGGTGGTTTCTCC[T>C]CTGCCTTGGAGCCAGGCAAGCCGTTCTCCGTGTTGTCATTCCCCGAGGAGCTCACGAGAC-3'
Protein context (NP_777594.1, residues 211-228): TENGLPGSKA[Glu221Gly]EKPPSKV